The following is an entry in ClinVar:

ClinVar aggregate classification (germline): Pathogenic (1 of 4 stars; one submission).

Conditions:
Hereditary cancer-predisposing syndrome. Also called: Tumor predisposition; Hereditary neoplastic syndrome; Hereditary Cancer Syndrome; Neoplastic Syndromes, Hereditary. Identifiers: Orphanet 140162, MedGen C0027672, MeSH D009386, MONDO:0015356.

Submission:

Ambry Genetics
Classification: Pathogenic for Hereditary cancer-predisposing syndrome. Last evaluated: 2024-03-07. Review status: criteria provided, single submitter. Criteria: Ambry Variant Classification Scheme 2023. Collection method: clinical testing. Allele origin: germline.
Comment: The c.1371delG pathogenic mutation, located in coding exon 9 of the MSH3 gene, results from a deletion of one nucleotide at nucleotide position 1371, causing a translational frameshift with a predicted alternate stop codon (p.M458Wfs*38). This alteration is expected to result in loss of function by premature protein truncation or nonsense-mediated mRNA decay. This variant is considered to be rare based on population cohorts in the Genome Aggregation Database (gnomAD). As such, this alteration is interpreted as a disease-causing mutation.

NM_002439.5(MSH3):c.1371del (p.Met458fs)

Gene: MSH3 (mutS homolog 3; plus strand). Cytogenetic location: 5q14.1.
Variant type: Deletion.
Coding change: c.1371del on transcript NM_002439.5 (MANE Select); coding-DNA position 1371, one base deleted (G; older notation c.1371delG).
Protein change: p.Met458fs; shifts the reading frame from methionine 458.
Molecular consequence: frameshift variant.
Genome position (GRCh38, 1-based): chr5:80,725,483, G deleted; the last of 2 consecutive G bases (chr5:80,725,482-80,725,483); deleting either gives the same sequence. VCF-style (leftmost placement, unchanged base first): chr5-80725481-AG-A. GRCh37 (hg19) VCF-style: chr5-80021300-AG-A.
Other names: short protein forms M458fs.
Identifiers: ClinVar variation 3222235 (VCV003222235.1), dbSNP rs2546752975, ClinGen allele CA2825001444.